The following is an entry in ClinVar:

NM_001042492.3(NF1):c.4892_4894del (p.Leu1631_Lys1632delinsTer)

Gene: NF1 (neurofibromin 1; plus strand). Cytogenetic location: 17q11.2.
Variant type: Deletion.
Coding change: c.4892_4894del on transcript NM_001042492.3 (MANE Select); coding-DNA positions 4892 to 4894, 3 bases deleted (TAA; older notation c.4892_4894delTAA).
Protein change: p.Leu1631_Lys1632delinsTer.
Molecular consequence: nonsense.
Genome position (GRCh38, 1-based): chr17:31,325,876-31,325,878, TAA deleted. VCF-style (leftmost placement, unchanged base first): chr17-31325875-TTAA-T. GRCh37 (hg19) VCF-style: chr17-29652893-TTAA-T.
Other names: c.4829_4831delTAA, p.Leu1610_Ala1945delinsTer (NM_000267.4).
Identifiers: ClinVar variation 2697846 (VCV002697846.3), dbSNP rs2508694660, ClinGen allele CA2697559545.

ClinVar aggregate classification (germline): Pathogenic (1 of 4 stars; one submission).

Conditions:
Neurofibromatosis, type 1 (NF1). Also called: Peripheral type neurofibromatosis; VON RECKLINGHAUSEN DISEASE; Neurofibromatosis, type I; NEUROFIBROMATOSIS, TYPE I, SOMATIC. Identifiers: Orphanet 636, MedGen C0027831, MONDO:0018975, OMIM 162200. Disease mechanism: loss of function.

Submission:

Labcorp Genetics (formerly Invitae), Labcorp
Classification: Pathogenic for Neurofibromatosis, type 1. Last evaluated: 2023-11-21. Review status: criteria provided, single submitter. Criteria: Invitae Variant Classification Sherloc (09022015). Collection method: clinical testing. Allele origin: germline.
Comment: This sequence change creates a premature translational stop signal (p.Leu1610*) in the NF1 gene. It is expected to result in an absent or disrupted protein product. Loss-of-function variants in NF1 are known to be pathogenic (PMID: 10712197, 23913538). This variant is not present in population databases (gnomAD no frequency). This premature translational stop signal has been observed in individual(s) with neurofibromatosis type 1 (PMID: 23758643). For these reasons, this variant has been classified as Pathogenic.

Literature cited by the submitters: PubMed 10712197; PubMed 23913538; PubMed 23758643.